The following is an entry in ClinVar:

NM_001134407.3(GRIN2A):c.1968G>C (p.Glu656Asp)

Gene: GRIN2A (glutamate ionotropic receptor NMDA type subunit 2A; minus strand). Cytogenetic location: 16p13.2.
Variant type: single nucleotide variant.
Coding change: c.1968G>C on transcript NM_001134407.3 (MANE Select); coding-DNA position 1968, G replaced by C.
Protein change: p.Glu656Asp; replaces glutamic acid 656 with aspartic acid.
Molecular consequence: missense variant.
Genome position (GRCh38, 1-based): chr16:9,829,462, C>G on the plus strand (G>C on the coding strand, the complement: GRIN2A is on the minus strand). VCF-style: chr16-9829462-C-G. GRCh37 (hg19) VCF-style: chr16-9923319-C-G.
Other names: c.1968G>C, p.Glu656Asp (NM_000833.5, NM_001134408.2); short protein forms E656D.
Identifiers: ClinVar variation 2662537 (VCV002662537.1), dbSNP rs2141312234, ClinGen allele CA394799207.
Genomic context (GRCh38, chr16:9,829,462, plus strand): 5'-AGGAAAGCAAGGTGACCTTACCTTTTTGTCACTGAGGCCGGTCACTTGGTCCACAAATTC[C>G]TCTTGGATCATGAAGGCAGCCAGATTGGCTGTGTAGCTAGCCAGGAATATGACAGCGAAG-3'
Protein context (NP_001127879.1, residues 646-666): TANLAAFMIQ[Glu656Asp]EFVDQVTGLS

ClinVar aggregate classification (germline): Uncertain significance (1 of 4 stars; one submission).

Submission:

GeneDx
Classification: Uncertain significance. Last evaluated: 2023-04-10. Review status: criteria provided, single submitter. Criteria: GeneDx Variant Classification Process June 2021. Collection method: clinical testing. Allele origin: germline. Affected: yes.
Comment: Not observed at significant frequency in large population cohorts (gnomAD); In silico analysis supports that this missense variant has a deleterious effect on protein structure/function; Has not been previously published as pathogenic or benign to our knowledge